The following is an entry in ClinVar:

ClinVar aggregate classification (germline): Conflicting classifications of pathogenicity. Review status: criteria provided, conflicting classifications (1 of 4 stars). 2 submissions from 2 submitters: Uncertain significance (1); Likely benign (1). Last evaluated 2023-03-23.

Conditions:
Hereditary cancer-predisposing syndrome. Also called: Tumor predisposition; Hereditary neoplastic syndrome; Neoplastic Syndromes, Hereditary; Hereditary Cancer Syndrome. Identifiers: Orphanet 140162, MedGen C0027672, MeSH D009386, MONDO:0015356.

Allele frequency attached by ClinVar (database versions not stated): gnomAD exomes below 0.00001; TOPMed below 0.00001.
gnomAD v4.1: 1 of 1,614,050 alleles (0.000062%); highest among the groups gnomAD compares: South Asian, 0.0011%; no homozygotes.

Submissions (2):

University of Washington Department of Laboratory Medicine, University of Washington
Classification: Likely benign for Hereditary cancer-predisposing syndrome. Last evaluated: 2023-03-23. Review status: criteria provided, single submitter. Criteria: Dines et al. (Genet Med. 2020). Collection method: curation. Allele origin: germline.
Comment: Missense variant in a coldspot region where missense variants are very unlikely to be pathogenic (PMID:31911673).

BRCA2 exon 10 coldspot. Reclassification based on statistical prior probability.

Ambry Genetics
Classification: Uncertain significance for Hereditary cancer-predisposing syndrome. Last evaluated: 2018-01-15. Review status: criteria provided, single submitter. Criteria: Ambry Variant Classification Scheme 2023. Collection method: clinical testing. Allele origin: germline.
Comment: The p.E386K variant (also known as c.1156G>A), located in coding exon 9 of the BRCA2 gene, results from a G to A substitution at nucleotide position 1156. The glutamic acid at codon 386 is replaced by lysine, an amino acid with similar properties. This amino acid position is well conserved in available vertebrate species. In addition, this alteration is predicted to be tolerated by in silico analysis. Since supporting evidence is limited at this time, the clinical significance of this alteration remains unclear.

NM_000059.4(BRCA2):c.1156G>A (p.Glu386Lys)

Gene: BRCA2 (BRCA2 DNA repair associated; plus strand). Cytogenetic location: 13q13.1.
Variant type: single nucleotide variant.
Coding change: c.1156G>A on transcript NM_000059.4 (MANE Select); coding-DNA position 1156, G replaced by A.
Protein change: p.Glu386Lys; replaces glutamic acid 386 with lysine.
Molecular consequence: missense variant.
Genome position (GRCh38, 1-based): chr13:32,332,634, G>A. VCF-style: chr13-32332634-G-A. GRCh37 (hg19) VCF-style: chr13-32906771-G-A.
Other names: short protein forms E386K.
Identifiers: ClinVar variation 818445 (VCV000818445.6), dbSNP rs1593892076, ClinGen allele CA387761896.